The following is an entry in ClinVar:

ClinVar aggregate classification (germline): Benign. Review status: criteria provided, multiple submitters, no conflicts (2 of 4 stars). 4 submissions from 4 submitters: Benign (3). 1 of the submissions does not count toward it. Last evaluated 2026-02-04.

Conditions:
KRT6C-related disorder. Also called: KRT6C-related condition.
Palmoplantar keratoderma, nonepidermolytic, focal or diffuse (PPKNEFD). Also called: PALMOPLANTAR KERATODERMA, FOCAL OR DIFFUSE. Identifiers: Orphanet 402003, MedGen C3810394, MONDO:0014327, OMIM 615735.

Allele frequency attached by ClinVar (database versions not stated): gnomAD 0.23584 and 0.23369; TOPMed 0.23763; 1000 Genomes Project 0.23502; gnomAD exomes 0.23228; 1000 Genomes Project 30x 0.23704; ESP Exome Variant Server 0.22182; ExAC 0.22515.
gnomAD v4.1: 354,441 of 1,613,608 alleles (22%); highest among the groups gnomAD compares: Admixed American, 32%; 40,011 homozygotes.

Submissions (4):

Labcorp Genetics (formerly Invitae), Labcorp
Classification: Benign. Last evaluated: 2026-02-04. Review status: criteria provided, single submitter. Criteria: Invitae Variant Classification Sherloc (09022015). Collection method: clinical testing. Allele origin: germline.

Genome-Nilou Lab
Classification: Benign for Palmoplantar keratoderma, nonepidermolytic, focal or diffuse. Last evaluated: 2021-08-19. Review status: criteria provided, single submitter. Criteria: ACMG Guidelines, 2015. Collection method: clinical testing. Allele origin: germline. Affected: no.

Breakthrough Genomics
Classification: Benign. Review status: criteria provided, single submitter. Criteria: ACMG Guidelines, 2015. Collection method: not provided. Allele origin: germline. Inheritance: Autosomal dominant inheritance. Affected: yes.

PreventionGenetics, part of Exact Sciences
Classification: Benign for KRT6C-related condition. Last evaluated: 2019-10-23. Review status: no assertion criteria provided. Collection method: clinical testing. Allele origin: germline. Not counted in ClinVar's aggregate classification.
Comment: This variant is classified as benign based on ACMG/AMP sequence variant interpretation guidelines (Richards et al. 2015 PMID: 25741868, with internal and published modifications).

NM_173086.5(KRT6C):c.1460-10C>A

Gene: KRT6C (keratin 6C; minus strand). Cytogenetic location: 12q13.13.
Variant type: single nucleotide variant.
Coding change: c.1460-10C>A on transcript NM_173086.5 (MANE Select); 10 bases into the intron before coding-DNA position 1460, C replaced by A.
Molecular consequence: intron variant.
Genome position (GRCh38, 1-based): chr12:52,469,307, G>T on the plus strand (C>A on the coding strand, the complement: KRT6C is on the minus strand). VCF-style: chr12-52469307-G-T. GRCh37 (hg19) VCF-style: chr12-52863091-G-T.
Other names: c.1460-10C>A (NM_173086.4).
Identifiers: ClinVar variation 1300091 (VCV001300091.13), dbSNP rs35481773, ClinGen allele CA6581062.
Genomic context (GRCh38, chr12:52,469,307, plus strand): 5'-CGACACCGCTGGCACCGCCATAGCCACTGGAGATGGTGGACTGTACTACAGCTGTGGTGG[G>T]GAGGGGACAAGGACACAAGAAGCCACGGTGAGCTCATCCTGCCGGCCTGAGCCCAGTCAG-3'